The following is an entry in ClinVar:

NM_020433.5(JPH2):c.8G>A (p.Gly3Glu)

Gene: JPH2 (junctophilin 2; minus strand). Cytogenetic location: 20q13.12.
Variant type: single nucleotide variant.
Coding change: c.8G>A on transcript NM_020433.5 (MANE Select); coding-DNA position 8, G replaced by A.
Protein change: p.Gly3Glu; replaces glycine 3 with glutamic acid.
Molecular consequence: missense variant.
Genome position (GRCh38, 1-based): chr20:44,186,698, C>T on the plus strand (G>A on the coding strand, the complement: JPH2 is on the minus strand). VCF-style: chr20-44186698-C-T. GRCh37 (hg19) VCF-style: chr20-42815338-C-T.
Other names: c.8G>A, p.Gly3Glu (NM_175913.4); short protein forms G3E.
Identifiers: ClinVar variation 636977 (VCV000636977.21), dbSNP rs746138065, ClinGen allele CA9868939.

ClinVar aggregate classification (germline): Uncertain significance. Review status: criteria provided, multiple submitters, no conflicts (2 of 4 stars). 8 submissions from 8 submitters: Uncertain significance (5). 3 of the submissions do not count toward it. Last evaluated 2026-01-05.

Conditions:
JPH2-related disorder. Also called: JPH2-related condition.
Cardiovascular phenotype. Identifiers: MedGen CN230736.
Hypertrophic cardiomyopathy. Also called: HYPERTROPHIC MYOCARDIOPATHY. Identifiers: Orphanet 217569, MedGen C0007194, MeSH D002312, MONDO:0005045, HP:0001639.

Allele frequency attached by ClinVar (database versions not stated): ExAC below 0.00001; gnomAD 0.00003; gnomAD exomes 0.00003; TOPMed 0.00005.
gnomAD v4.1: 45 of 1,599,190 alleles (0.0028%); highest among the groups gnomAD compares: Non-Finnish European, 0.0036%; no homozygotes.

Submissions (8):

Labcorp Genetics (formerly Invitae), Labcorp
Classification: Uncertain significance for Hypertrophic cardiomyopathy. Last evaluated: 2026-01-05. Review status: criteria provided, single submitter. Criteria: Invitae Variant Classification Sherloc (09022015). Collection method: clinical testing. Allele origin: germline.
Comment: This sequence change replaces glycine, which is neutral and non-polar, with glutamic acid, which is acidic and polar, at codon 3 of the JPH2 protein (p.Gly3Glu). This variant is present in population databases (rs746138065, gnomAD 0.007%). This variant has not been reported in the literature in individuals affected with JPH2-related conditions. ClinVar contains an entry for this variant (Variation ID: 636977). An algorithm developed to predict the effect of missense changes on protein structure and function (PolyPhen-2) suggests that this variant is likely to be disruptive. In summary, the available evidence is currently insufficient to determine the role of this variant in disease. Therefore, it has been classified as a Variant of Uncertain Significance.

Ambry Genetics
Classification: Uncertain significance for Cardiovascular phenotype. Last evaluated: 2025-04-01. Review status: criteria provided, single submitter. Criteria: Ambry Variant Classification Scheme 2023. Collection method: clinical testing. Allele origin: germline.
Comment: The p.G3E variant (also known as c.8G>A), located in coding exon 1 of the JPH2 gene, results from a G to A substitution at nucleotide position 8. The glycine at codon 3 is replaced by glutamic acid, an amino acid with similar properties. This variant was detected in a cardiomyopathy/arrhythmia genetic testing cohort; however, clinical details were limited, and additional cardiac variants were detected in some cases (van Lint FHM et al. Neth Heart J, 2019 Jun;27:304-309). This amino acid position is highly conserved in available vertebrate species. In addition, the in silico prediction for this alteration is inconclusive. Since supporting evidence is limited at this time, the clinical significance of this alteration remains unclear.

PreventionGenetics, part of Exact Sciences
Classification: Uncertain significance for JPH2-related condition. Last evaluated: 2023-10-01. Review status: criteria provided, single submitter. Criteria: ACMG Guidelines, 2015. Collection method: clinical testing. Allele origin: germline.
Comment: The JPH2 c.8G>A variant is predicted to result in the amino acid substitution p.Gly3Glu. To our knowledge, this variant has not been reported in the literature. This variant is reported in 0.0065% of alleles in individuals of European (Non-Finnish) descent in gnomAD. At this time, the clinical significance of this variant is uncertain due to the absence of conclusive functional and genetic evidence.

GeneDx
Classification: Uncertain significance. Last evaluated: 2022-02-03. Review status: criteria provided, single submitter. Criteria: GeneDx Variant Classification Process June 2021. Collection method: clinical testing. Allele origin: germline. Affected: yes.
Comment: Has not been previously published as pathogenic or benign to our knowledge; In silico analysis supports that this missense variant has a deleterious effect on protein structure/function

Blueprint Genetics
Classification: Uncertain significance. Last evaluated: 2019-03-02. Review status: criteria provided, single submitter. Criteria: ACMG Guidelines, 2015. Collection method: clinical testing. Allele origin: germline.

Clinical Genetics, Academic Medical Center
Classification: Uncertain significance. Review status: no assertion criteria provided. Collection method: clinical testing. Allele origin: germline. Affected: yes. Study: VKGL Data-share Consensus. Not counted in ClinVar's aggregate classification.

Diagnostic Laboratory, Department of Genetics, University Medical Center Groningen
Classification: Uncertain significance. Review status: no assertion criteria provided. Collection method: clinical testing. Allele origin: germline. Affected: yes. Study: VKGL Data-share Consensus. Not counted in ClinVar's aggregate classification.

Joint Genome Diagnostic Labs from Nijmegen and Maastricht, Radboudumc and MUMC+
Classification: Uncertain significance. Review status: no assertion criteria provided. Collection method: clinical testing. Allele origin: germline. Affected: yes. Study: VKGL Data-share Consensus. Not counted in ClinVar's aggregate classification.

Literature cited by the submitters: PubMed 30847666 (cited by Ambry Genetics).